The following is an entry in ClinVar:

NM_198428.3(BBS9):c.328G>A (p.Gly110Arg)

Gene: BBS9 (Bardet-Biedl syndrome 9; plus strand). Cytogenetic location: 7p14.3.
Variant type: single nucleotide variant.
Coding change: c.328G>A on transcript NM_198428.3 (MANE Select); coding-DNA position 328, G replaced by A.
Protein change: p.Gly110Arg; replaces glycine 110 with arginine.
Molecular consequence: missense variant. On other transcripts: non-coding transcript variant (3), intron variant (4).
Genome position (GRCh38, 1-based): chr7:33,155,702, G>A. VCF-style: chr7-33155702-G-A. GRCh37 (hg19) VCF-style: chr7-33195314-G-A.
Other names: c.328G>A, p.Gly110Arg (NM_001033604.2, NM_001033605.2, NM_001348036.1 and 7 more transcripts); c.55G>A, p.Gly19Arg (NM_001348038.3, NM_001348039.3); c.193G>A, p.Gly65Arg (NM_001348042.3); c.-39+2851G>A (NM_001348037.3, NM_001348045.3); c.-38-21776G>A (NM_001348046.3, NM_001348044.3); short protein forms G110R, G19R, G65R.
Identifiers: ClinVar variation 1805028 (VCV001805028.1), dbSNP rs1793995209, ClinGen allele CA367191186.

ClinVar aggregate classification (germline): Uncertain significance (1 of 4 stars; one submission).

Conditions:
Bardet-Biedl syndrome 9 (BBS9). Identifiers: Orphanet 110, MedGen C1859567, MONDO:0014437, OMIM 615986.

Allele frequency attached by ClinVar (database versions not stated): TOPMed 0.00001.

Submission:

Victorian Clinical Genetics Services, Murdoch Childrens Research Institute
Classification: Uncertain significance for Bardet-Biedl syndrome 9. Last evaluated: 2021-05-06. Review status: criteria provided, single submitter. Criteria: ACMG Guidelines, 2015. Collection method: clinical testing. Allele origin: germline. Inheritance: Autosomal recessive inheritance. Affected: yes.
Comment: Based on the classification scheme VCGS_Germline_v1.3.4, this variant is classified as VUS-3B. Following criteria are met: 0102 - Loss of function is a known mechanism of disease in this gene and is associated with Bardet-Biedl syndrome 9 (MIM# 615986). (I) 0106 - This gene is associated with autosomal recessive disease. (I) 0200 - Variant is predicted to result in a missense amino acid change from glycine to arginine. However, this variant is also located near the intron-exon junction and has a potential effect on splicing. (I) 0251 - This variant is heterozygous. (I) 0301 - Variant is absent from gnomAD (both v2 and v3). (SP) 0502 - Missense variant with conflicting in silico predictions and uninformative conservation. Splicing in silicos were also conflicting however, the affected nucleotide is highly conserved. (I) 0600 - Variant is located in the annotated PHTB1 N-terminal domain (NCBI). (I) 0705 - No comparable missense variants have previous evidence for pathogenicity. (I) 0807 - This variant has no previous evidence of pathogenicity. (I) 0905 - No published segregation evidence has been identified for this variant. (I) 1007 - No published functional evidence has been identified for this variant. (I) 1208 - Inheritance information for this variant is not currently available in this individual. (I) Legend: (SP) - Supporting pathogenic, (I) - Information, (SB) - Supporting benign